The following is an entry in ClinVar:

NM_201548.5(CERKL):c.869T>C (p.Ile290Thr)

Gene: CERKL (CERK like autophagy regulator; minus strand). Cytogenetic location: 2q31.3.
Variant type: single nucleotide variant.
Coding change: c.869T>C on transcript NM_201548.5 (MANE Select); coding-DNA position 869, T replaced by C.
Protein change: p.Ile290Thr; replaces isoleucine 290 with threonine.
Molecular consequence: missense variant. On other transcripts: non-coding transcript variant (2).
Genome position (GRCh38, 1-based): chr2:181,549,660, A>G on the plus strand (T>C on the coding strand, the complement: CERKL is on the minus strand). VCF-style: chr2-181549660-A-G. GRCh37 (hg19) VCF-style: chr2-182414387-A-G.
Other names: c.947T>C, p.Ile316Thr (NM_001030311.3); c.530T>C, p.Ile177Thr (NM_001030312.3); c.662T>C, p.Ile221Thr (NM_001030313.3); c.815T>C, p.Ile272Thr (NM_001160277.2); short protein forms I177T, I272T, I221T, I290T, I316T.
Identifiers: ClinVar variation 1405056 (VCV001405056.5), dbSNP rs768283864, ClinGen allele CA2010636.

ClinVar aggregate classification (germline): Uncertain significance (1 of 4 stars; one submission).

Allele frequency attached by ClinVar (database versions not stated): gnomAD exomes below 0.00001 and 0.00001; TOPMed below 0.00001; ExAC 0.00001; gnomAD 0.00002.

Submission:

Labcorp Genetics (formerly Invitae), Labcorp
Classification: Uncertain significance. Last evaluated: 2022-02-23. Review status: criteria provided, single submitter. Criteria: Invitae Variant Classification Sherloc (09022015). Collection method: clinical testing. Allele origin: germline.
Comment: This sequence change replaces isoleucine, which is neutral and non-polar, with threonine, which is neutral and polar, at codon 316 of the CERKL protein (p.Ile316Thr). This variant is present in population databases (rs768283864, gnomAD 0.002%). This variant has not been reported in the literature in individuals affected with CERKL-related conditions. Algorithms developed to predict the effect of missense changes on protein structure and function (SIFT, PolyPhen-2, Align-GVGD) all suggest that this variant is likely to be tolerated. In summary, the available evidence is currently insufficient to determine the role of this variant in disease. Therefore, it has been classified as a Variant of Uncertain Significance.